The following continues an entry in ClinVar:

NM_000059.4(BRCA2):c.8503T>C (p.Ser2835Pro)

Gene: BRCA2. ClinVar aggregate classification (germline): Benign. Benign (1).

Submissions 19 to 35 of 35:

Laboratory for Molecular Medicine, Mass General Brigham Personalized Medicine
Classification: Likely benign. Last evaluated: 2016-03-28. Review status: criteria provided, single submitter. Criteria: LMM Criteria. Collection method: clinical testing. Allele origin: germline. Not counted in ClinVar's aggregate classification.
Comment: Variant identified in a genome or exome case(s) and assessed due to predicted null impact of the variant or pathogenic assertions in the literature or databases. Disclaimer: This variant has not undergone full assessment. The following are preliminary notes: ExAC: 0.7% (77/10388) African chromosomes

Eurofins Ntd Llc (ga)
Classification: Benign. Last evaluated: 2015-12-16. Review status: criteria provided, single submitter. Criteria: EGL Classification Definitions 2015. Collection method: clinical testing. Allele origin: germline. Observed: 3 variant alleles, 3 heterozygotes. Not counted in ClinVar's aggregate classification.

Color Diagnostics, LLC DBA Color Health
Classification: Likely benign for Hereditary cancer-predisposing syndrome. Last evaluated: 2015-04-24. Review status: criteria provided, single submitter. Criteria: ACMG Guidelines, 2015. Collection method: clinical testing. Allele origin: germline. Not counted in ClinVar's aggregate classification.

Ambry Genetics
Classification: Benign for Hereditary cancer-predisposing syndrome. Last evaluated: 2014-11-19. Review status: criteria provided, single submitter. Criteria: Ambry Variant Classification Scheme 2023. Collection method: clinical testing. Allele origin: germline. Not counted in ClinVar's aggregate classification.

Pathway Genomics
Classification: Benign for Breast-ovarian cancer, familial 2. Last evaluated: 2014-10-30. Review status: criteria provided, single submitter. Criteria: ACMG Guidelines, 2015. Collection method: clinical testing. Allele origin: germline. Not counted in ClinVar's aggregate classification.

Women's Health and Genetics/Laboratory Corporation of America, LabCorp
Classification: Benign for Hereditary breast ovarian cancer syndrome. Last evaluated: 2014-09-29. Review status: criteria provided, single submitter. Criteria: LabCorp Variant Classification Summary - May 2015. Collection method: clinical testing. Allele origin: germline. Not counted in ClinVar's aggregate classification.

GeneDx
Classification: Benign. Last evaluated: 2014-01-28. Review status: criteria provided, single submitter. Criteria: GeneDx Variant Classification (06012015). Collection method: clinical testing. Allele origin: germline. Affected: yes. Not counted in ClinVar's aggregate classification.
Comment: This variant is considered likely benign or benign based on one or more of the following criteria: it is a conservative change, it occurs at a poorly conserved position in the protein, it is predicted to be benign by multiple in silico algorithms, and/or has population frequency not consistent with disease.

Breakthrough Genomics
Classification: Benign. Review status: criteria provided, single submitter. Criteria: ACMG Guidelines, 2015. Collection method: not provided. Allele origin: germline. Inheritance: Autosomal recessive inheritance. Affected: yes. Not counted in ClinVar's aggregate classification.

Mayo Clinic Laboratories, Mayo Clinic
Classification: Likely benign. Last evaluated: 2018-02-05. Review status: no assertion criteria provided. Collection method: clinical testing. Allele origin: unknown. Not counted in ClinVar's aggregate classification.

Counsyl
Classification: Likely benign for Breast-ovarian cancer, familial 2. Last evaluated: 2014-03-20. Review status: no assertion criteria provided. Collection method: literature only. Allele origin: unknown. Inheritance: Autosomal dominant inheritance. Not counted in ClinVar's aggregate classification.

ITMI
No classification provided. Condition: AllHighlyPenetrant. Last evaluated: 2013-09-19. Review status: no classification provided. Collection method: reference population. Allele origin: germline. Not counted in ClinVar's aggregate classification.
Comment: Please see associated publication for description of ethnicities

Foulkes Cancer Genetics LDI, Lady Davis Institute for Medical Research
Classification: Benign for Breast and/or ovarian cancer. Last evaluated: 2013-04-13. Review status: no assertion criteria provided. Collection method: clinical testing. Allele origin: germline. Study: The Canadian Open Genetics Repository (COGR). Not counted in ClinVar's aggregate classification.

Breast Cancer Information Core (BIC) (BRCA2)
Classification: Benign for Breast-ovarian cancer, familial 2. Last evaluated: 2002-05-29. Review status: no assertion criteria provided. Collection method: clinical testing. Allele origin: germline. Affected: yes. Observed: 34 variant alleles. Not counted in ClinVar's aggregate classification.

Clinical Genetics DNA and cytogenetics Diagnostics Lab, Erasmus MC, Erasmus Medical Center
Classification: Benign. Review status: no assertion criteria provided. Collection method: clinical testing. Allele origin: germline. Affected: yes. Study: VKGL Data-share Consensus. Not counted in ClinVar's aggregate classification.

Clinical Genetics Laboratory, Department of Pathology, Netherlands Cancer Institute
Classification: Benign. Review status: no assertion criteria provided. Collection method: clinical testing. Allele origin: germline. Affected: yes. Study: VKGL Data-share Consensus. Not counted in ClinVar's aggregate classification.

Department of Pathology and Laboratory Medicine, Sinai Health System
Classification: Benign for Breast-ovarian cancer, familial, susceptibility to, 2. Review status: no assertion criteria provided. Collection method: clinical testing. Allele origin: unknown. Affected: yes. Observed: 2 variant alleles. Study: The Canadian Open Genetics Repository (COGR). Not counted in ClinVar's aggregate classification.
Comment: The p.Ser2835Pro variant has been identified in 7 out of 7570 proband chromosomes (frequency 0.001) in individuals with cutaneous malignant melanoma, and breast and ovarian cancer phenotypes, and identified in 1 out of 5064 control chromosomes (frequency <0.001) (Casula 2006, Caux-Moncoutier 2011, Frackenthal 2012, Johnson 2007, Palomba 2009, Tazzite 2012, Malone 2000, Karchin 2008, Schoumacher 2001). It is listed in dbSNP database as coming from a â€šÃ„Ãºclinical sourceâ€šÃ„Ã¹ (ID#: rs11571746) however no frequency information was provided. The variant is identified in the EVS server as a low frequency variant increasing the likelihood this variant does not have clinical significance. The p.Ser2835 is not conserved in mammals, and computational analyses (PolyPhen2, SIFT, AlignGVGD) do not suggest a high likelihood of impact to the protein, and the variant amino acid Proline (Pro) residue is present in cat, dog and zebrafish, suggesting this variant may not be functionally important. In the UMD database, this variant has been identified in 2 (out of 13) individuals with breast or ovarian cancers, where a second pathogenic BRCA1 mutation was also detected, further suggesting that this is a benign variant. In addition, it is presented 34 times in the BIC database as a variant with no clinical significance. In summary based on the information presented above this variant is classified as benign.

Joint Genome Diagnostic Labs from Nijmegen and Maastricht, Radboudumc and MUMC+
Classification: Benign. Review status: no assertion criteria provided. Collection method: clinical testing. Allele origin: germline. Affected: yes. Study: VKGL Data-share Consensus. Not counted in ClinVar's aggregate classification.

Literature cited by the submitters: PubMed 31131967 (cited by Evidence-based Network for the Interpretation of Germline Mutant Alleles (ENIGMA)); PubMed 36329109 (cited by Genetics Program, Instituto Nacional de Cancer); PubMed 24728327 (cited by Pathway Genomics and ITMI); PubMed 22425665 (cited by 3 submitters); PubMed 17341484 (cited by Women's Health and Genetics/Laboratory Corporation of America, LabCorp and Counsyl); PubMed 23683081 (cited by Women's Health and Genetics/Laboratory Corporation of America, LabCorp); PubMed 19043619 (cited by Women's Health and Genetics/Laboratory Corporation of America, LabCorp and Counsyl); PubMed 18284688 (cited by Women's Health and Genetics/Laboratory Corporation of America, LabCorp and Counsyl); PubMed 19799798 (cited by Women's Health and Genetics/Laboratory Corporation of America, LabCorp); PubMed 22684231 (cited by Women's Health and Genetics/Laboratory Corporation of America, LabCorp); PubMed 24123850 (cited by Women's Health and Genetics/Laboratory Corporation of America, LabCorp); PubMed 12491487 (cited by Women's Health and Genetics/Laboratory Corporation of America, LabCorp); PubMed 16284991 (cited by Women's Health and Genetics/Laboratory Corporation of America, LabCorp); PubMed 22505045 (cited by Women's Health and Genetics/Laboratory Corporation of America, LabCorp); PubMed 10717622 (cited by Counsyl).